The following is an entry in ClinVar:

ClinVar aggregate classification (germline): Uncertain significance. Review status: criteria provided, multiple submitters, no conflicts (2 of 4 stars). 2 submissions from 2 submitters: Uncertain significance (2). Last evaluated 2025-10-23.

Conditions:
Inborn genetic diseases. Identifiers: MedGen C0950123, MeSH D030342.
Baller-Gerold syndrome (BGS). Also called: CRANIOSYNOSTOSIS WITH RADIAL DEFECTS. Identifiers: Orphanet 1225, MedGen C0265308, MONDO:0009039, OMIM 218600.

Allele frequency attached by ClinVar (database versions not stated): gnomAD exomes below 0.00001.

Submissions (2):

Ambry Genetics
Classification: Uncertain significance for Inborn genetic diseases. Last evaluated: 2025-10-23. Review status: criteria provided, single submitter. Criteria: Ambry Variant Classification Scheme 2023. Collection method: clinical testing. Allele origin: germline.
Comment: The p.C208Y variant (also known as c.623G>A), located in coding exon 5 of the RECQL4 gene, results from a G to A substitution at nucleotide position 623. The cysteine at codon 208 is replaced by tyrosine, an amino acid with highly dissimilar properties. This amino acid position is conserved. In addition, this alteration is predicted to be tolerated by in silico analysis. Based on the available evidence, the clinical significance of this variant remains unclear.

Labcorp Genetics (formerly Invitae), Labcorp
Classification: Uncertain significance for Baller-Gerold syndrome. Last evaluated: 2024-05-20. Review status: criteria provided, single submitter. Criteria: Invitae Variant Classification Sherloc (09022015). Collection method: clinical testing. Allele origin: germline.
Comment: This sequence change replaces cysteine, which is neutral and slightly polar, with tyrosine, which is neutral and polar, at codon 208 of the RECQL4 protein (p.Cys208Tyr). This variant is not present in population databases (gnomAD no frequency). This variant has not been reported in the literature in individuals affected with RECQL4-related conditions. ClinVar contains an entry for this variant (Variation ID: 1011611). Advanced modeling of protein sequence and biophysical properties (such as structural, functional, and spatial information, amino acid conservation, physicochemical variation, residue mobility, and thermodynamic stability) performed at Invitae indicates that this missense variant is not expected to disrupt RECQL4 protein function with a negative predictive value of 80%. In summary, the available evidence is currently insufficient to determine the role of this variant in disease. Therefore, it has been classified as a Variant of Uncertain Significance.

NM_004260.4(RECQL4):c.623G>A (p.Cys208Tyr)

Gene: RECQL4 (RecQ like helicase 4; minus strand). Cytogenetic location: 8q24.3.
Variant type: single nucleotide variant.
Coding change: c.623G>A on transcript NM_004260.4 (MANE Select); coding-DNA position 623, G replaced by A.
Protein change: p.Cys208Tyr; replaces cysteine 208 with tyrosine.
Molecular consequence: missense variant.
Genome position (GRCh38, 1-based): chr8:144,516,496, C>T on the plus strand (G>A on the coding strand, the complement: RECQL4 is on the minus strand). VCF-style: chr8-144516496-C-T. GRCh37 (hg19) VCF-style: chr8-145741880-C-T.
Other names: c.623G>A (NM_004260.3); short protein forms C208Y.
Identifiers: ClinVar variation 1011611 (VCV001011611.6), dbSNP rs1815031928, ClinGen allele CA372690055.